The following is an entry in ClinVar:

ClinVar aggregate classification (germline): Uncertain significance (1 of 4 stars; one submission).

Conditions:
Primary ciliary dyskinesia. Also called: Ciliary dyskinesia. Identifiers: Orphanet 244, MedGen C0008780, MONDO:0016575, HP:0012265.

Submission:

Labcorp Genetics (formerly Invitae), Labcorp
Classification: Uncertain significance for Primary ciliary dyskinesia. Last evaluated: 2024-10-14. Review status: criteria provided, single submitter. Criteria: Invitae Variant Classification Sherloc (09022015). Collection method: clinical testing. Allele origin: germline.
Comment: This sequence change replaces histidine, which is basic and polar, with tyrosine, which is neutral and polar, at codon 447 of the DNAH5 protein (p.His447Tyr). This variant is not present in population databases (gnomAD no frequency). This variant has not been reported in the literature in individuals affected with DNAH5-related conditions. ClinVar contains an entry for this variant (Variation ID: 1948416). Invitae Evidence Modeling of protein sequence and biophysical properties (such as structural, functional, and spatial information, amino acid conservation, physicochemical variation, residue mobility, and thermodynamic stability) indicates that this missense variant is not expected to disrupt DNAH5 protein function with a negative predictive value of 95%. In summary, the available evidence is currently insufficient to determine the role of this variant in disease. Therefore, it has been classified as a Variant of Uncertain Significance.

NM_001369.3(DNAH5):c.1339C>T (p.His447Tyr)

Gene: DNAH5 (dynein axonemal heavy chain 5; minus strand). Cytogenetic location: 5p15.2.
Variant type: single nucleotide variant.
Coding change: c.1339C>T on transcript NM_001369.3 (MANE Select); coding-DNA position 1339, C replaced by T.
Protein change: p.His447Tyr; replaces histidine 447 with tyrosine.
Molecular consequence: missense variant.
Genome position (GRCh38, 1-based): chr5:13,913,940, G>A on the plus strand (C>T on the coding strand, the complement: DNAH5 is on the minus strand). VCF-style: chr5-13913940-G-A. GRCh37 (hg19) VCF-style: chr5-13914049-G-A.
Other names: short protein forms H447Y.
Identifiers: ClinVar variation 1948416 (VCV001948416.4), dbSNP rs2547127683, ClinGen allele CA359214577.